The following is an entry in ClinVar:

NM_000227.6(LAMA3):c.130A>G (p.Ser44Gly)

Genes: LAMA3 (laminin subunit alpha 3; plus strand), LOC126862707 (MED14-independent group 3 enhancer GRCh37_chr18:21452354-21453553; plus strand). Cytogenetic location: 18q11.2.
Variant type: single nucleotide variant.
Coding change: c.130A>G on transcript NM_000227.6 (MANE Plus Clinical); coding-DNA position 130, A replaced by G.
Protein change: p.Ser44Gly; replaces serine 44 with glycine.
Molecular consequence: missense variant. On other transcripts: intron variant (2).
Genome position (GRCh38, 1-based): chr18:23,873,174, A>G. VCF-style: chr18-23873174-A-G. GRCh37 (hg19) VCF-style: chr18-21453138-A-G.
Other names: c.130A>G (NM_000227.3); c.130A>G, p.Ser44Gly (NM_001127718.4); c.4998+1513A>G (NM_198129.4, NM_001127717.4); short protein forms S44G.
Identifiers: ClinVar variation 2174128 (VCV002174128.4), dbSNP rs757749910, ClinGen allele CA8915823.

ClinVar aggregate classification (germline): Uncertain significance. Review status: criteria provided, multiple submitters, no conflicts (2 of 4 stars). 3 submissions from 3 submitters: Uncertain significance (3). Last evaluated 2025-03-08.

Conditions:
Laryngo-onycho-cutaneous syndrome (JEB2C). Also called: EPIDERMOLYSIS BULLOSA, JUNCTIONAL 2C, LARYNGOONYCHOCUTANEOUS; SHABBIR SYNDROME; LOGIC SYNDROME. Identifiers: Orphanet 2407, MedGen C1328355, MONDO:0009513, OMIM 245660.
Epidermolysis bullosa, junctional 2A, intermediate. Also called: EPIDERMOLYSIS BULLOSA, JUNCTIONAL 2A, GENERALIZED INTERMEDIATE; EPIDERMOLYSIS BULLOSA, JUNCTIONAL 2A, NON-HERLITZ TYPE. Identifiers: MedGen C5676936, MONDO:0030746, OMIM 619783.
Junctional epidermolysis bullosa gravis of Herlitz. Also called: EPIDERMOLYSIS BULLOSA, JUNCTIONAL 1B, SEVERE; EPIDERMOLYSIS BULLOSA JUNCTIONALIS, HERLITZ TYPE; EPIDERMOLYSIS BULLOSA, JUNCTIONAL, HERLITZ-PEARSON TYPE; JEB-HERLITZ TYPE; Herlitz-type junctional epidermolysis bullosa; Epidermolysis Bullosa Letalis. Identifiers: Orphanet 79404, MedGen C0079683, MONDO:0009182, OMIM 226700.
Epidermolysis bullosa, junctional 2B, severe. Also called: EPIDERMOLYSIS BULLOSA, JUNCTIONAL 2B, GENERALIZED SEVERE; EPIDERMOLYSIS BULLOSA, JUNCTIONAL 2B, HERLITZ TYPE. Identifiers: MedGen C5676937, MONDO:0030747, OMIM 619784.
Inborn genetic diseases. Identifiers: MedGen C0950123, MeSH D030342.

Allele frequency attached by ClinVar (database versions not stated): TOPMed 0.00002; gnomAD exomes 0.00005; ExAC 0.00006; gnomAD 0.00006.
gnomAD v4.1: 80 of 1,614,128 alleles (0.005%); highest among the groups gnomAD compares: Non-Finnish European, 0.0055%; no homozygotes.

Submissions (6):

Ambry Genetics
Classification: Uncertain significance for Inborn genetic diseases. Last evaluated: 2025-03-08. Review status: criteria provided, single submitter. Criteria: Ambry Variant Classification Scheme 2023. Collection method: clinical testing. Allele origin: germline.

Labcorp Genetics (formerly Invitae), Labcorp
Classification: Uncertain significance. Last evaluated: 2024-05-15. Review status: criteria provided, single submitter. Criteria: Invitae Variant Classification Sherloc (09022015). Collection method: clinical testing. Allele origin: germline.
Comment: This sequence change replaces serine, which is neutral and polar, with glycine, which is neutral and non-polar, at codon 44 of the LAMA3 protein (p.Ser44Gly). This variant is present in population databases (rs757749910, gnomAD 0.03%). This variant has not been reported in the literature in individuals affected with LAMA3-related conditions. ClinVar contains an entry for this variant (Variation ID: 2174128). An algorithm developed to predict the effect of missense changes on protein structure and function (PolyPhen-2) suggests that this variant¬†is likely to be tolerated. In summary, the available evidence is currently insufficient to determine the role of this variant in disease. Therefore, it has been classified as a Variant of Uncertain Significance.

Department of Pathology and Laboratory Medicine, Sinai Health System
Classification: Uncertain significance for Junctional epidermolysis bullosa gravis of Herlitz; Laryngo-onycho-cutaneous syndrome; Epidermolysis bullosa, junctional 2A, intermediate; Epidermolysis bullosa, junctional 2B, severe. Last evaluated: 2023-10-05. Review status: criteria provided, single submitter. Criteria: ACMG Guidelines, 2015. Collection method: research. Allele origin: germline.

Dr. Peter K. Rogan Lab, Western University
No classification provided (evidence only). Condition: Familial cancer of breast. Review status: no classification provided. Collection method: in vitro. Allele origin: not applicable. Functional consequence: retained intron. Not counted in ClinVar's aggregate classification.

Dr. Peter K. Rogan Lab, Western University
No classification provided (evidence only). Condition: Gastric cancer. Review status: no classification provided. Collection method: in vitro. Allele origin: not applicable. Functional consequence: retained intron. Not counted in ClinVar's aggregate classification.

Dr. Peter K. Rogan Lab, Western University
No classification provided (evidence only). Condition: Gastric cancer. Review status: no classification provided. Collection method: in vitro. Allele origin: not applicable. Functional consequence: retained intron. Not counted in ClinVar's aggregate classification.